The following is an entry in ClinVar:

ClinVar aggregate classification (germline): Uncertain significance (1 of 4 stars; one submission).

Submission:

Labcorp Genetics (formerly Invitae), Labcorp
Classification: Uncertain significance. Last evaluated: 2022-11-14. Review status: criteria provided, single submitter. Criteria: Invitae Variant Classification Sherloc (09022015). Collection method: clinical testing. Allele origin: germline.
Comment: This sequence change replaces serine, which is neutral and polar, with asparagine, which is neutral and polar, at codon 1912 of the FLNB protein (p.Ser1912Asn). This variant is not present in population databases (gnomAD no frequency). This variant has not been reported in the literature in individuals affected with FLNB-related conditions. Advanced modeling of protein sequence and biophysical properties (such as structural, functional, and spatial information, amino acid conservation, physicochemical variation, residue mobility, and thermodynamic stability) performed at Invitae indicates that this missense variant is not expected to disrupt FLNB protein function. In summary, the available evidence is currently insufficient to determine the role of this variant in disease. Therefore, it has been classified as a Variant of Uncertain Significance.

NM_001457.4(FLNB):c.5735G>A (p.Ser1912Asn)

Gene: FLNB (filamin B; plus strand). Cytogenetic location: 3p14.3.
Variant type: single nucleotide variant.
Coding change: c.5735G>A on transcript NM_001457.4 (MANE Select); coding-DNA position 5735, G replaced by A.
Protein change: p.Ser1912Asn; replaces serine 1912 with asparagine.
Molecular consequence: missense variant.
Genome position (GRCh38, 1-based): chr3:58,148,212, G>A. VCF-style: chr3-58148212-G-A. GRCh37 (hg19) VCF-style: chr3-58133939-G-A.
Other names: c.5828G>A, p.Ser1943Asn (NM_001164317.2); c.5702G>A, p.Ser1901Asn (NM_001164318.2); c.5663G>A, p.Ser1888Asn (NM_001164319.2); short protein forms S1912N, S1888N, S1901N, S1943N.
Identifiers: ClinVar variation 2814174 (VCV002814174.3), dbSNP rs2471203991, ClinGen allele CA353355493.
Genomic context (GRCh38, chr3:58,148,212, plus strand): 5'-TGAAGCCAGGGTAACCACATGTAACGGGAGTCCTTTTTGGGGGATGTTTCCCAGATGACA[G>A]CAGGCGGTGCTCCCAGGTGAAGTTGGGCTCAGCCGCTGACTTCCTGCTCGACATCAGTGA-3'
Protein context (NP_001448.2, residues 1902-1922): SPFTAKITDD[Ser1912Asn]RRCSQVKLGS